The following is an entry in ClinVar:

NM_001792.5(CDH2):c.1469A>G (p.Asp490Gly)

Gene: CDH2 (cadherin 2; minus strand). Cytogenetic location: 18q12.1.
Variant type: single nucleotide variant.
Coding change: c.1469A>G on transcript NM_001792.5 (MANE Select); coding-DNA position 1469, A replaced by G.
Protein change: p.Asp490Gly; replaces aspartic acid 490 with glycine.
Molecular consequence: missense variant.
Genome position (GRCh38, 1-based): chr18:27,990,226, T>C on the plus strand (A>G on the coding strand, the complement: CDH2 is on the minus strand). VCF-style: chr18-27990226-T-C. GRCh37 (hg19) VCF-style: chr18-25570190-T-C.
Other names: c.1376A>G, p.Asp459Gly (NM_001308176.2); short protein forms D490G, D459G.
Identifiers: ClinVar variation 3488842 (VCV003488842.1).

ClinVar aggregate classification (germline): Uncertain significance (1 of 4 stars; one submission).

Conditions:
Inborn genetic diseases. Identifiers: MedGen C0950123, MeSH D030342.

Submission:

Ambry Genetics
Classification: Uncertain significance for Inborn genetic diseases. Last evaluated: 2024-08-31. Review status: criteria provided, single submitter. Criteria: Ambry Variant Classification Scheme 2023. Collection method: clinical testing. Allele origin: germline.
Comment: The p.D490G variant (also known as c.1469A>G), located in coding exon 10 of the CDH2 gene, results from an A to G substitution at nucleotide position 1469. The aspartic acid at codon 490 is replaced by glycine, an amino acid with similar properties. This amino acid position is conserved. In addition, this alteration is predicted to be deleterious by in silico analysis. Based on the available evidence, the clinical significance of this variant remains unclear.